The following is an entry in ClinVar:

NM_000238.4(KCNH2):c.883G>T (p.Val295Leu)

Gene: KCNH2 (potassium voltage-gated channel subfamily H member 2; minus strand). Cytogenetic location: 7q36.1.
Variant type: single nucleotide variant.
Coding change: c.883G>T on transcript NM_000238.4 (MANE Select); coding-DNA position 883, G replaced by T.
Protein change: p.Val295Leu; replaces valine 295 with leucine.
Molecular consequence: missense variant. On other transcripts: non-coding transcript variant (1).
Genome position (GRCh38, 1-based): chr7:150,958,092, C>A on the plus strand (G>T on the coding strand, the complement: KCNH2 is on the minus strand). VCF-style: chr7-150958092-C-A. GRCh37 (hg19) VCF-style: chr7-150655180-C-A.
Other names: c.595G>T, p.Val199Leu (NM_001406753.1, NM_001406756.1); c.706G>T, p.Val236Leu (NM_001406755.1); c.583G>T, p.Val195Leu (NM_001406757.1); c.883G>T, p.Val295Leu (NM_172056.3); short protein forms V195L, V236L, V295L, V199L.
Identifiers: ClinVar variation 2447224 (VCV002447224.2), dbSNP rs2486088202, ClinGen allele CA369862155.
Genomic context (GRCh38, chr7:150,958,092, plus strand): 5'-GCGGAACGGGTCCCGCGGCGCCCTCACCGGTGCTGGCGTGGCGCGGTGGCGGGGGCAGCA[C>A]CCCGGCGCGCATGGCCTCGATGTCGTCGGCCGACGAGGCGCGGCGCACGCTGGCGCAGCT-3'
Protein context (NP_000229.1, residues 285-305): ADDIEAMRAG[Val295Leu]LPPPPRHAST

ClinVar aggregate classification (germline): Uncertain significance (1 of 4 stars; one submission).

Conditions:
Cardiovascular phenotype. Identifiers: MedGen CN230736.

Submission:

Ambry Genetics
Classification: Uncertain significance for Cardiovascular phenotype. Last evaluated: 2022-11-30. Review status: criteria provided, single submitter. Criteria: Ambry Variant Classification Scheme 2023. Collection method: clinical testing. Allele origin: germline.
Comment: The p.V295L variant (also known as c.883G>T), located in coding exon 4 of the KCNH2 gene, results from a G to T substitution at nucleotide position 883. The valine at codon 295 is replaced by leucine, an amino acid with highly similar properties. This amino acid position is poorly conserved in available vertebrate species. In addition, the in silico prediction for this alteration is inconclusive. Since supporting evidence is limited at this time, the clinical significance of this alteration remains unclear.